The following is an entry in ClinVar:

ClinVar aggregate classification (germline): Uncertain significance (1 of 4 stars; one submission).

Conditions:
Immunodeficiency, common variable, 7. Identifiers: Orphanet 1572, Orphanet 696894, MedGen C3542922, MONDO:0013862, OMIM 614699.

Submission:

Labcorp Genetics (formerly Invitae), Labcorp
Classification: Uncertain significance for Immunodeficiency, common variable, 7. Last evaluated: 2021-06-07. Review status: criteria provided, single submitter. Criteria: Invitae Variant Classification Sherloc (09022015). Collection method: clinical testing. Allele origin: germline.
Comment: This sequence change replaces serine with isoleucine at codon 504 of the CR2 protein (p.Ser504Ile). The serine residue is moderately conserved and there is a large physicochemical difference between serine and isoleucine. This variant is not present in population databases (ExAC no frequency). This variant has not been reported in the literature in individuals with CR2-related conditions. Algorithms developed to predict the effect of missense changes on protein structure and function are either unavailable or do not agree on the potential impact of this missense change (SIFT: "Deleterious"; PolyPhen-2: "Probably Damaging"; Align-GVGD: "Class C0"). In summary, the available evidence is currently insufficient to determine the role of this variant in disease. Therefore, it has been classified as a Variant of Uncertain Significance.

NM_001006658.3(CR2):c.1511G>T (p.Ser504Ile)

Gene: CR2 (complement C3d receptor 2; plus strand). Cytogenetic location: 1q32.2.
Variant type: single nucleotide variant.
Coding change: c.1511G>T on transcript NM_001006658.3 (MANE Select); coding-DNA position 1511, G replaced by T.
Protein change: p.Ser504Ile; replaces serine 504 with isoleucine.
Molecular consequence: missense variant.
Genome position (GRCh38, 1-based): chr1:207,471,440, G>T. VCF-style: chr1-207471440-G-T. GRCh37 (hg19) VCF-style: chr1-207644785-G-T.
Other names: c.1511G>T, p.Ser504Ile (NM_001877.5); short protein forms S504I.
Identifiers: ClinVar variation 1399423 (VCV001399423.8), dbSNP rs763216546, ClinGen allele CA344531439.
Genomic context (GRCh38, chr1:207,471,440, plus strand): 5'-TGGTCACCTGATGGCAAAATGACATACGTGACTCTGTCTCTAGGTACAAGTTAAGTGGGA[G>T]TGTTTATCAGGAGTGTCAAGGCACAATTCCTTGGTTTATGGAGATTCGTCTTTGTAAAGG-3'
Protein context (NP_001006659.1, residues 494-514): SCGEGYKLSG[Ser504Ile]VYQECQGTIP